The following is an entry in ClinVar:

ClinVar aggregate classification (germline): Uncertain significance. Review status: criteria provided, multiple submitters, no conflicts (2 of 4 stars). 7 submissions from 7 submitters: Uncertain significance (7). Last evaluated 2025-11-10.

Conditions:
BARD1-related disorder. Also called: BARD1-related condition.
Hereditary cancer-predisposing syndrome. Also called: Tumor predisposition; Neoplastic Syndromes, Hereditary; Hereditary neoplastic syndrome; Hereditary Cancer Syndrome. Identifiers: Orphanet 140162, MedGen C0027672, MeSH D009386, MONDO:0015356.
Familial cancer of breast. Also called: BREAST CANCER, FAMILIAL; Hereditary breast cancer; hereditary breast carcinoma. Identifiers: Orphanet 227535, MedGen C0346153, MONDO:0016419, OMIM 114480. Disease mechanism: loss of function.

Allele frequency attached by ClinVar (database versions not stated): TOPMed 0.00001; gnomAD exomes below 0.00001.
gnomAD v4.1: 5 of 1,605,896 alleles (0.00031%); highest among the groups gnomAD compares: Non-Finnish European, 0.00042%; no homozygotes.

Submissions (7):

Labcorp Genetics (formerly Invitae), Labcorp
Classification: Uncertain significance for Familial cancer of breast. Last evaluated: 2025-11-10. Review status: criteria provided, single submitter. Criteria: Invitae Variant Classification Sherloc (09022015). Collection method: clinical testing. Allele origin: germline.
Comment: This sequence change replaces lysine, which is basic and polar, with arginine, which is basic and polar, at codon 196 of the BARD1 protein (p.Lys196Arg). This variant is not present in population databases (gnomAD no frequency). This variant has not been reported in the literature in individuals affected with BARD1-related conditions. ClinVar contains an entry for this variant (Variation ID: 141134). An algorithm developed to predict the effect of missense changes on protein structure and function (PolyPhen-2) suggests that this variant is likely to be tolerated. In summary, the available evidence is currently insufficient to determine the role of this variant in disease. Therefore, it has been classified as a Variant of Uncertain Significance.

PreventionGenetics, part of Exact Sciences
Classification: Uncertain significance for BARD1-related condition. Last evaluated: 2025-10-01. Review status: criteria provided, single submitter. Criteria: ACMG Guidelines, 2015. Collection method: clinical testing. Allele origin: germline.
Comment: The BARD1 c.587A>G variant is predicted to result in the amino acid substitution p.Lys196Arg. To our knowledge, this variant has not been reported in the literature or in a large population database (gnomAD), indicating this variant is rare. It is interpreted as uncertain significance in ClinVar (Variation ID: 141134). At this time, the clinical significance of this variant is uncertain due to the absence of conclusive functional and genetic evidence.

GeneDx
Classification: Uncertain significance. Last evaluated: 2024-12-04. Review status: criteria provided, single submitter. Criteria: GeneDx Variant Classification Process June 2021. Collection method: clinical testing. Allele origin: germline. Affected: yes.
Comment: Not observed at significant frequency in large population cohorts (gnomAD); In silico analysis indicates that this missense variant does not alter protein structure/function; Has not been previously published as pathogenic or benign to our knowledge

Baylor Genetics
Classification: Uncertain significance for Familial cancer of breast. Last evaluated: 2023-12-02. Review status: criteria provided, single submitter. Criteria: ACMG Guidelines, 2015. Collection method: clinical testing. Allele origin: unknown.

Ambry Genetics
Classification: Uncertain significance for Hereditary cancer-predisposing syndrome. Last evaluated: 2023-11-09. Review status: criteria provided, single submitter. Criteria: Ambry Variant Classification Scheme 2023. Collection method: clinical testing. Allele origin: germline.
Comment: The p.K196R variant (also known as c.587A>G), located in coding exon 4 of the BARD1 gene, results from an A to G substitution at nucleotide position 587. The lysine at codon 196 is replaced by arginine, an amino acid with highly similar properties. This amino acid position is well conserved in available vertebrate species. In addition, this alteration is predicted to be tolerated by in silico analysis. Since supporting evidence is limited at this time, the clinical significance of this alteration remains unclear.

Color Diagnostics, LLC DBA Color Health
Classification: Uncertain significance for Hereditary cancer-predisposing syndrome. Last evaluated: 2023-07-11. Review status: criteria provided, single submitter. Criteria: ACMG Guidelines, 2015. Collection method: clinical testing. Allele origin: germline.
Comment: This missense variant replaces lysine with arginine at codon 196 of the BARD1 protein. Computational prediction suggests that this variant may not impact protein structure and function (internally defined REVEL score threshold <= 0.5, PMID: 27666373). To our knowledge, functional studies have not been reported for this variant. This variant has not been reported in individuals affected with hereditary cancer in the literature. This variant has not been identified in the general population by the Genome Aggregation Database (gnomAD). The available evidence is insufficient to determine the role of this variant in disease conclusively. Therefore, this variant is classified as a Variant of Uncertain Significance.

Illumina Laboratory Services, Illumina
Classification: Uncertain significance for Familial cancer of breast. Last evaluated: 2018-01-12. Review status: criteria provided, single submitter. Criteria: ICSL Variant Classification Criteria 13 December 2019. Collection method: clinical testing. Allele origin: germline.

NM_000465.4(BARD1):c.587A>G (p.Lys196Arg)

Gene: BARD1 (BRCA1 associated RING domain 1; minus strand). Cytogenetic location: 2q35.
Variant type: single nucleotide variant.
Coding change: c.587A>G on transcript NM_000465.4 (MANE Select); coding-DNA position 587, A replaced by G.
Protein change: p.Lys196Arg; replaces lysine 196 with arginine.
Molecular consequence: missense variant. On other transcripts: non-coding transcript variant (2), intron variant (3).
Genome position (GRCh38, 1-based): chr2:214,781,287, T>C on the plus strand (A>G on the coding strand, the complement: BARD1 is on the minus strand). VCF-style: chr2-214781287-T-C. GRCh37 (hg19) VCF-style: chr2-215646011-T-C.
Other names: c.530A>G, p.Lys177Arg (NM_001282543.2); c.158+28125A>G (NM_001282548.2); c.215+15774A>G (NM_001282545.2); c.364+11010A>G (NM_001282549.2); short protein forms K196R, K177R.
Identifiers: ClinVar variation 141134 (VCV000141134.28), dbSNP rs587781520, ClinGen allele CA164556.